The following is an entry in ClinVar:

NM_001003787.4(STRADA):c.271A>G (p.Lys91Glu)

Gene: STRADA (STE20 related adaptor alpha; minus strand). Cytogenetic location: 17q23.3.
Variant type: single nucleotide variant.
Coding change: c.271A>G on transcript NM_001003787.4 (MANE Select); coding-DNA position 271, A replaced by G.
Protein change: p.Lys91Glu; replaces lysine 91 with glutamic acid.
Molecular consequence: missense variant. On other transcripts: non-coding transcript variant (1).
Genome position (GRCh38, 1-based): chr17:63,713,483, T>C on the plus strand (A>G on the coding strand, the complement: STRADA is on the minus strand). VCF-style: chr17-63713483-T-C. GRCh37 (hg19) VCF-style: chr17-61790843-T-C.
Other names: c.160A>G, p.Lys54Glu (NM_001003786.3, NM_001363789.1, NM_153335.6); c.97A>G, p.Lys33Glu (NM_001003788.3, NM_001363790.1, NM_001363791.1); c.184A>G, p.Lys62Glu (NM_001165969.2, NM_001363787.1, NM_001411084.1); c.139A>G, p.Lys47Glu (NM_001165970.2); c.247A>G, p.Lys83Glu (NM_001363786.1); c.271A>G, p.Lys91Glu (NM_001363788.1, NM_001411083.1, NM_001411085.1); short protein forms K33E, K47E, K54E, K62E, K83E, K91E.
Identifiers: ClinVar variation 2129505 (VCV002129505.1), dbSNP rs1179891554, ClinGen allele CA400593776.
Genomic context (GRCh38, chr17:63,713,483, plus strand): 5'-TCTCATTGGAACAAGCTTCTAGGTTAATCCTCCGTACAGTCACGTACTCTCCTGTTGGTT[T>C]GTACCTTGCTAGATTCACAGTCATCAGGTCCTCAAATCCTTTGCCTAAAAGAAAAAGGGA-3'
Protein context (NP_001003787.1, residues 81-101): DLMTVNLARY[Lys91Glu]PTGEYVTVRR

ClinVar aggregate classification (germline): Uncertain significance (1 of 4 stars; one submission).

Conditions:
Polyhydramnios, megalencephaly, and symptomatic epilepsy (PMSE). Also called: PMSE SYNDROME. Identifiers: Orphanet 500533, MedGen C1970203, MONDO:0012611, OMIM 611087.

Allele frequency attached by ClinVar (database versions not stated): gnomAD exomes below 0.00001; TOPMed below 0.00001; gnomAD 0.00001.
gnomAD v4.1: 2 of 1,614,116 alleles (0.00012%); highest among the groups gnomAD compares: Non-Finnish European, 0.00017%; no homozygotes.

Submission:

Labcorp Genetics (formerly Invitae), Labcorp
Classification: Uncertain significance for Polyhydramnios, megalencephaly, and symptomatic epilepsy. Last evaluated: 2022-05-24. Review status: criteria provided, single submitter. Criteria: Invitae Variant Classification Sherloc (09022015). Collection method: clinical testing. Allele origin: germline.
Comment: This sequence change replaces lysine, which is basic and polar, with glutamic acid, which is acidic and polar, at codon 91 of the STRADA protein (p.Lys91Glu). This variant is not present in population databases (gnomAD no frequency). This variant has not been reported in the literature in individuals affected with STRADA-related conditions. Algorithms developed to predict the effect of missense changes on protein structure and function are either unavailable or do not agree on the potential impact of this missense change (SIFT: "Deleterious"; PolyPhen-2: "Possibly Damaging"; Align-GVGD: "Class C0"). In summary, the available evidence is currently insufficient to determine the role of this variant in disease. Therefore, it has been classified as a Variant of Uncertain Significance.